The following is an entry in ClinVar:

NM_020708.5(SLC12A5):c.2443C>T (p.Pro815Ser)

Gene: SLC12A5 (solute carrier family 12 member 5; plus strand). Cytogenetic location: 20q13.12.
Variant type: single nucleotide variant.
Coding change: c.2443C>T on transcript NM_020708.5 (MANE Select); coding-DNA position 2443, C replaced by T.
Protein change: p.Pro815Ser; replaces proline 815 with serine.
Molecular consequence: missense variant.
Genome position (GRCh38, 1-based): chr20:46,053,022, C>T. VCF-style: chr20-46053022-C-T. GRCh37 (hg19) VCF-style: chr20-44681661-C-T.
Other names: c.2512C>T, p.Pro838Ser (NM_001134771.2); short protein forms P815S, P838S.
Identifiers: ClinVar variation 1016141 (VCV001016141.9), dbSNP rs2084659527, ClinGen allele CA409204832.
Genomic context (GRCh38, chr20:46,053,022, plus strand): 5'-GTCCGGGAAACCACAGCTGGCCACTTAGCCCTGCTGGTCACCAAGAACGTTTCCATGTTT[C>T]CTGGGAACCCTGAGCGCTTCTCTGAGGGCAGCATCGACGTTTGGTGGATTGTGCACGATG-3'
Protein context (NP_065759.1, residues 805-825): LLVTKNVSMF[Pro815Ser]GNPERFSEGS

ClinVar aggregate classification (germline): Uncertain significance (1 of 4 stars; one submission).

Conditions:
Developmental and epileptic encephalopathy, 34 (DEE34). Also called: SLC12A5-Related Epilepsy of Infancy with Migrating Focal Seizures; Early infantile epileptic encephalopathy 34. Identifiers: Orphanet 293181, MedGen C4225257, MONDO:0014718, OMIM 616645.

Submission:

Labcorp Genetics (formerly Invitae), Labcorp
Classification: Uncertain significance for Developmental and epileptic encephalopathy, 34. Last evaluated: 2020-06-16. Review status: criteria provided, single submitter. Criteria: Invitae Variant Classification Sherloc (09022015). Collection method: clinical testing. Allele origin: germline.
Comment: In summary, the available evidence is currently insufficient to determine the role of this variant in disease. Therefore, it has been classified as a Variant of Uncertain Significance. Algorithms developed to predict the effect of missense changes on protein structure and function are either unavailable or do not agree on the potential impact of this missense change (SIFT: "Deleterious"; PolyPhen-2: "Probably Damaging"; Align-GVGD: "Class C0"). This variant has not been reported in the literature in individuals with SLC12A5-related conditions. This variant is not present in population databases (ExAC no frequency). This sequence change replaces proline with serine at codon 815 of the SLC12A5 protein (p.Pro815Ser). The proline residue is highly conserved and there is a moderate physicochemical difference between proline and serine.